The following continues an entry in ClinVar:

NM_000518.5(HBB):c.-137C>G

ClinVar aggregate classification (germline): Pathogenic. Pathogenic (1).

Submissions 8 to 13 of 13:

Labcorp Genetics (formerly Invitae), Labcorp
Classification: Pathogenic. Last evaluated: 2023-07-13. Review status: criteria provided, single submitter. Criteria: Invitae Variant Classification Sherloc (09022015). Collection method: clinical testing. Allele origin: germline. Not counted in ClinVar's aggregate classification.
Comment: For these reasons, this variant has been classified as Pathogenic. This variant occurs in a non-coding region of the HBB gene. It does not change the encoded amino acid sequence of the HBB protein. This variant is not present in population databases (gnomAD no frequency). This variant has been observed in individuals with beta-thalassemia (PMID: 2375912, 2446680, 2917193). It has also been observed to segregate with disease in related individuals. This variant is also known as -87C>G. ClinVar contains an entry for this variant (Variation ID: 15464). Algorithms developed to predict the effect of variants on protein structure and function are not available or were not evaluated for this variant. Experimental studies have shown that this variant affects HBB function (PMID: 2837728, 6188062).

Fulgent Genetics
Classification: Pathogenic for Heinz body anemia; Hereditary persistence of fetal hemoglobin; Dominant beta-thalassemia; Hb SS disease; alpha Thalassemia; Malaria, susceptibility to; Beta-thalassemia HBB/LCRB; METHEMOGLOBINEMIA, BETA TYPE; Erythrocytosis, familial, 6. Last evaluated: 2022-04-06. Review status: criteria provided, single submitter. Criteria: ACMG Guidelines, 2015. Collection method: clinical testing. Allele origin: unknown. Not counted in ClinVar's aggregate classification.

Myriad Genetics, Inc.
Classification: Likely pathogenic for Beta-thalassemia HBB/LCRB. Last evaluated: 2019-12-19. Review status: criteria provided, single submitter. Criteria: Myriad Women's Health Autosomal Recessive and X-Linked Classification Criteria (2019). Collection method: clinical testing. Allele origin: unknown. Not counted in ClinVar's aggregate classification.
Comment: NM_000518.4(HBB):c.-137C>G(aka -87C>G) is classified as likely pathogenic in the context of Hb beta chain-related hemoglobinopathy and is associated with beta thalassemia. Sources cited for classification include the following: PMID 2446680, 2375912, 2917193 and 2837728. Classification of NM_000518.4(HBB):c.-137C>G(aka -87C>G) is based on the following criteria: This variant has been observed more frequently in patients with clinical diagnoses than in healthy populations. Please note: this variant was assessed in the context of healthy population screening.

Women's Health and Genetics/Laboratory Corporation of America, LabCorp
Classification: Pathogenic for Beta Thalassemia Intermedia. Last evaluated: 2011-08-18. Review status: criteria provided, single submitter. Criteria: LabCorp Variant Classification Summary - May 2015. Collection method: curation, clinical testing. Allele origin: germline. Inheritance: autosomal recessive. Affected: yes. Observed: 13 variant alleles. Not counted in ClinVar's aggregate classification.
ClinVar note: Converted during submission from pathogenic to Pathogenic.

OMIM
Classification: Pathogenic for BETA-PLUS-THALASSEMIA. Last evaluated: 1982-04-15. Review status: no assertion criteria provided. Collection method: literature only. Allele origin: germline. Not counted in ClinVar's aggregate classification.

GeneReviews
No classification provided. Condition: beta Thalassemia. Review status: no classification provided. Collection method: literature only. Allele origin: germline. Not counted in ClinVar's aggregate classification.

Literature cited by the submitters: PubMed 6280057 (cited by 3 submitters); PubMed 25902180 (cited by Natera, Inc.); PubMed 20704537 (cited by Quest Diagnostics Nichols Institute San Juan Capistrano and Women's Health and Genetics/Laboratory Corporation of America, LabCorp); PubMed 2917193 (cited by 3 submitters); PubMed 2446680 (cited by 4 submitters); PubMed 28503568 (cited by Quest Diagnostics Nichols Institute San Juan Capistrano); PubMed 21228398 (cited by Quest Diagnostics Nichols Institute San Juan Capistrano); PubMed 22975760 (cited by Quest Diagnostics Nichols Institute San Juan Capistrano); PubMed 6188062 (cited by 3 submitters); PubMed 28385923 (cited by Quest Diagnostics Nichols Institute San Juan Capistrano); PubMed 2375912 (cited by 3 submitters); PubMed 2837728 (cited by Labcorp Genetics (formerly Invitae), Labcorp and Myriad Genetics, Inc.); PubMed 17145605 (cited by Women's Health and Genetics/Laboratory Corporation of America, LabCorp); PubMed 7655036 (cited by Women's Health and Genetics/Laboratory Corporation of America, LabCorp); PubMed 7507641 (cited by Women's Health and Genetics/Laboratory Corporation of America, LabCorp); NCBI Bookshelf NBK1426 (cited by GeneReviews).